The following is an entry in ClinVar:

ClinVar aggregate classification (germline): Uncertain significance (1 of 4 stars; one submission).

Submission:

GeneDx
Classification: Uncertain significance. Last evaluated: 2025-02-24. Review status: criteria provided, single submitter. Criteria: GeneDx Variant Classification Process June 2021. Collection method: clinical testing. Allele origin: germline. Affected: yes.
Comment: Not observed at significant frequency in large population cohorts (gnomAD); In silico analysis supports that this missense variant has a deleterious effect on protein structure/function; Has not been previously published as pathogenic or benign to our knowledge

NM_004667.6(HERC2):c.3289T>C (p.Cys1097Arg)

Gene: HERC2 (HECT and RLD domain containing E3 ubiquitin protein ligase 2; minus strand). Cytogenetic location: 15q13.1.
Variant type: single nucleotide variant.
Coding change: c.3289T>C on transcript NM_004667.6 (MANE Select); coding-DNA position 3289, T replaced by C.
Protein change: p.Cys1097Arg; replaces cysteine 1097 with arginine.
Molecular consequence: missense variant.
Genome position (GRCh38, 1-based): chr15:28,246,844, A>G on the plus strand (T>C on the coding strand, the complement: HERC2 is on the minus strand). VCF-style: chr15-28246844-A-G. GRCh37 (hg19) VCF-style: chr15-28491990-A-G.
Other names: short protein forms C1097R.
Identifiers: ClinVar variation 4076883 (VCV004076883.1).
Genomic context (GRCh38, chr15:28,246,844, plus strand): 5'-GCCGCCAGCTGGTAGAAGCAATGCTGGCGGCCACAGGCAGTATATCTCCAATGTGCGTGC[A>G]CAGGAGGGCTGTGTACTTCTTCAGCAAGGAACCAACACCCATTAGCTCTGGACCTTGAAG-3'
Protein context (NP_004658.3, residues 1087-1107): SLLKKYTALL[Cys1097Arg]THIGDILPVA